The following is an entry in ClinVar:

NM_001852.4(COL9A2):c.1599G>T (p.Leu533=)

Gene: COL9A2 (collagen type IX alpha 2 chain; minus strand). Cytogenetic location: 1p34.2.
Variant type: single nucleotide variant.
Coding change: c.1599G>T on transcript NM_001852.4 (MANE Select); coding-DNA position 1599, G replaced by T.
Protein change: p.Leu533=; no amino-acid change (leucine 533 retained).
Molecular consequence: synonymous variant.
Genome position (GRCh38, 1-based): chr1:40,303,135, C>A on the plus strand (G>T on the coding strand, the complement: COL9A2 is on the minus strand). VCF-style: chr1-40303135-C-A. GRCh37 (hg19) VCF-style: chr1-40768807-C-A.
Identifiers: ClinVar variation 297295 (VCV000297295.14), dbSNP rs142974512, ClinGen allele CA10611017.
Genomic context (GRCh38, chr1:40,303,135, plus strand): 5'-GTGAGGGGGCGGCGATGCCCTCGAACTGACTGTGAGGAGGGGTTGCTGCCCCTCACCTTG[C>A]AGCATCTTCAGCGCCACATCCACGATGTGCTGGTCAGTGGCATCCCGGCCCTGAAAGCAG-3'
Protein context (NP_001843.1, residues 523-543): QHIVDVALKM[Leu533=]QEQLAEVAVS

ClinVar aggregate classification (germline): Conflicting classifications of pathogenicity. Review status: criteria provided, conflicting classifications (1 of 4 stars). 5 submissions from 5 submitters: Uncertain significance (1); Likely benign (4). Last evaluated 2026-07-10.

Conditions:
Epiphyseal dysplasia, multiple, 2 (EDM2). Also called: COL9A2-Related Multiple Epiphyseal Dysplasia. Identifiers: MedGen C1838429, MONDO:0010844, OMIM 600204.
COL9A2-related disorder. Also called: COL9A2-related condition.

Allele frequency attached by ClinVar (database versions not stated): gnomAD exomes below 0.00001 and 0.00001; gnomAD 0.00003; TOPMed 0.00005; ESP Exome Variant Server 0.00015.

Submissions (5):

PreventionGenetics, part of Exact Sciences
Classification: Likely benign for COL9A2-related condition. Last evaluated: 2026-07-10. Review status: criteria provided, single submitter. Criteria: ACMG Guidelines, 2015. Collection method: clinical testing. Allele origin: germline.
Comment: This variant is classified as likely benign based on ACMG/AMP sequence variant interpretation guidelines (Richards et al. 2015 PMID: 25741868, with internal and published modifications).

Labcorp Genetics (formerly Invitae), Labcorp
Classification: Likely benign. Last evaluated: 2025-03-19. Review status: criteria provided, single submitter. Criteria: Invitae Variant Classification Sherloc (09022015). Collection method: clinical testing. Allele origin: germline.

Blueprint Genetics
Classification: Likely benign. Last evaluated: 2019-10-24. Review status: criteria provided, single submitter. Criteria: ACMG Guidelines, 2015. Collection method: clinical testing. Allele origin: germline.

GeneDx
Classification: Likely benign. Last evaluated: 2019-02-19. Review status: criteria provided, single submitter. Criteria: GeneDx Variant Classification Process June 2021. Collection method: clinical testing. Allele origin: germline. Affected: yes.

Illumina Laboratory Services, Illumina
Classification: Uncertain significance for Epiphyseal dysplasia, multiple, 2. Last evaluated: 2018-01-12. Review status: criteria provided, single submitter. Criteria: ICSL Variant Classification Criteria 13 December 2019. Collection method: clinical testing. Allele origin: germline.